The following is an entry in ClinVar:

ClinVar aggregate classification (germline): Uncertain significance (1 of 4 stars; one submission).

Conditions:
Fanconi anemia (FA). Also called: Fanconi's anemia. Identifiers: Orphanet 84, MedGen C0015625, MeSH D005199, MONDO:0019391.

Submission:

Labcorp Genetics (formerly Invitae), Labcorp
Classification: Uncertain significance for Fanconi anemia. Last evaluated: 2024-11-21. Review status: criteria provided, single submitter. Criteria: Invitae Variant Classification Sherloc (09022015). Collection method: clinical testing. Allele origin: germline.
Comment: This variant, c.1030_1032del, results in the deletion of 1 amino acid(s) of the FANCD2 protein (p.Ile344del), but otherwise preserves the integrity of the reading frame. This variant is present in population databases (rs760361533, gnomAD 0.02%). This variant has not been reported in the literature in individuals affected with FANCD2-related conditions. Experimental studies and prediction algorithms are not available or were not evaluated, and the functional significance of this variant is currently unknown. In summary, the available evidence is currently insufficient to determine the role of this variant in disease. Therefore, it has been classified as a Variant of Uncertain Significance.

NM_001018115.3(FANCD2):c.1027ATT[1] (p.Ile344del)

Genes: FANCD2 (FA complementation group D2; plus strand), LOC107303338 (3p25 FANCD2 Alu-mediated recombination region; plus strand). Cytogenetic location: 3p25.3.
Variant type: Microsatellite.
Coding change: c.1027ATT[1] on transcript NM_001018115.3 (MANE Select); one copy of the 3-base unit ATT starting at c.1027; the reference has two copies in a row; one copy, 3 bases deleted.
Protein change: p.Ile344del; deletes isoleucine 344.
Genome position (GRCh38, 1-based): chr3:10,043,524-10,043,526, ATT deleted; deleting any 3 consecutive bases within chr3:10,043,520-10,043,526 gives the same sequence; the position shown is the placement nearest the transcript's 3' end. VCF-style (leftmost placement, unchanged base first): chr3-10043519-GTAT-G. GRCh37 (hg19) VCF-style: chr3-10085203-GTAT-G.
Other names: c.1027ATT[1], p.Ile344del (NM_001319984.2, NM_001374253.1, NM_001374254.1 and 1 more transcripts); short protein forms I344del.
Identifiers: ClinVar variation 3649306 (VCV003649306.2).